The following is an entry in ClinVar:

ClinVar aggregate classification (germline): Uncertain significance (1 of 4 stars; one submission).

Conditions:
Inborn genetic diseases. Identifiers: MedGen C0950123, MeSH D030342.

Allele frequency attached by ClinVar (database versions not stated): TOPMed below 0.00001; gnomAD 0.00001; gnomAD exomes 0.00001.
gnomAD v4.1: 16 of 1,614,004 alleles (0.00099%); highest among the groups gnomAD compares: Non-Finnish European, 0.0014%; no homozygotes.

Submission:

Ambry Genetics
Classification: Uncertain significance for Inborn genetic diseases. Last evaluated: 2020-10-22. Review status: criteria provided, single submitter. Criteria: Ambry Variant Classification Scheme 2023. Collection method: clinical testing. Allele origin: germline.
Comment: The c.7399A>G (p.K2467E) alteration is located in exon 50 (coding exon 49) of the TRRAP gene. This alteration results from an A to G substitution at nucleotide position 7399, causing the lysine (K) at amino acid position 2467 to be replaced by a glutamic acid (E). Based on data from the Genome Aggregation Database (gnomAD), the TRRAP c.7399A>G alteration was not observed, with coverage at this position. This amino acid position is highly conserved in available vertebrate species. The p.K2467E alteration is predicted to be tolerated by in silico analysis. Based on insufficient or conflicting evidence, the clinical significance of this alteration remains unclear.

NM_001375524.1(TRRAP):c.7420A>G (p.Lys2474Glu)

Gene: TRRAP (transformation/transcription domain associated protein; plus strand). Cytogenetic location: 7q22.1.
Variant type: single nucleotide variant.
Coding change: c.7420A>G on transcript NM_001375524.1 (MANE Select); coding-DNA position 7420, A replaced by G.
Protein change: p.Lys2474Glu; replaces lysine 2474 with glutamic acid.
Molecular consequence: missense variant.
Genome position (GRCh38, 1-based): chr7:98,967,606, A>G. VCF-style: chr7-98967606-A-G. GRCh37 (hg19) VCF-style: chr7-98565229-A-G.
Other names: c.7399A>G, p.Lys2467Glu (NM_001244580.2); c.7345A>G, p.Lys2449Glu (NM_003496.4); short protein forms K2449E, K2467E, K2474E.
Identifiers: ClinVar variation 2227680 (VCV002227680.2), dbSNP rs1213301018, ClinGen allele CA368293121.